The following is an entry in ClinVar:

ClinVar aggregate classification (germline): Uncertain significance (0 of 4 stars; one submission).

Conditions:
EP300-related disorder. Also called: EP300-related disorders; EP300-related condition.

Submission:

PreventionGenetics, part of Exact Sciences
Classification: Uncertain significance for EP300-related condition. Last evaluated: 2024-05-20. Review status: no assertion criteria provided. Collection method: clinical testing. Allele origin: germline.
Comment: The EP300 c.5860_5861insTTG variant is predicted to result in an in-frame amino acid insertion (p.His1954delinsLeuAsp). To our knowledge, this variant has not been reported in the literature. This variant is reported in 0.00088% of alleles in individuals of European (Non-Finnish) descent in gnomAD. At this time, the clinical significance of this variant is uncertain due to the absence of conclusive functional and genetic evidence.

NM_001429.4(EP300):c.5860_5861insTTG (p.His1954delinsLeuAsp)

Gene: EP300 (E1A binding protein p300; plus strand). Cytogenetic location: 22q13.2.
Variant type: Insertion.
Coding change: c.5860_5861insTTG on transcript NM_001429.4 (MANE Select); coding-DNA positions 5860 to 5861, TTG inserted.
Protein change: p.His1954delinsLeuAsp.
Molecular consequence: inframe indel.
Genome position: GRCh38 VCF-style: chr22-41177571-C-CTTG. GRCh37 (hg19) VCF-style: chr22-41573575-C-CTTG.
Other names: c.5782_5783insTTG, p.His1928delinsLeuAsp (NM_001362843.2).
Identifiers: ClinVar variation 3352022 (VCV003352022.1).